The following is an entry in ClinVar:

ClinVar aggregate classification (germline): Benign (0 of 4 stars; one submission).

Conditions:
SPEN-related disorder. Also called: SPEN-related condition.

Allele frequency attached by ClinVar (database versions not stated): ExAC 0.00116; gnomAD 0.00331; ESP Exome Variant Server 0.00354; 1000 Genomes Project 0.00359; TOPMed 0.00384; 1000 Genomes Project 30x 0.00406.
gnomAD v4.1: 1,060 of 1,614,052 alleles (0.066%); highest among the groups gnomAD compares: African/African-American, 1.2%; 10 homozygotes.

Submission:

PreventionGenetics, part of Exact Sciences
Classification: Benign for SPEN-related condition. Last evaluated: 2024-05-15. Review status: no assertion criteria provided. Collection method: clinical testing. Allele origin: germline.
Comment: This variant is classified as benign based on ACMG/AMP sequence variant interpretation guidelines (Richards et al. 2015 PMID: 25741868, with internal and published modifications).

NM_015001.3(SPEN):c.8068G>A (p.Val2690Met)

Gene: SPEN (spen family transcriptional repressor; plus strand). Cytogenetic location: 1p36.13.
Variant type: single nucleotide variant.
Coding change: c.8068G>A on transcript NM_015001.3 (MANE Select); coding-DNA position 8068, G replaced by A.
Protein change: p.Val2690Met; replaces valine 2690 with methionine.
Molecular consequence: missense variant.
Genome position (GRCh38, 1-based): chr1:15,934,308, G>A. VCF-style: chr1-15934308-G-A. GRCh37 (hg19) VCF-style: chr1-16260803-G-A.
Other names: short protein forms V2690M.
Identifiers: ClinVar variation 3039198 (VCV003039198.2), dbSNP rs150899650, ClinGen allele CA620201.